The following is an entry in ClinVar:

NM_004408.4(DNM1):c.788C>T (p.Pro263Leu)

Gene: DNM1 (dynamin 1; plus strand). Cytogenetic location: 9q34.11.
Variant type: single nucleotide variant.
Coding change: c.788C>T on transcript NM_004408.4 (MANE Select); coding-DNA position 788, C replaced by T.
Protein change: p.Pro263Leu; replaces proline 263 with leucine.
Molecular consequence: missense variant.
Genome position (GRCh38, 1-based): chr9:128,220,280, C>T. VCF-style: chr9-128220280-C-T. GRCh37 (hg19) VCF-style: chr9-130982559-C-T.
Other names: c.788C>T, p.Pro263Leu (NM_001005336.3, NM_001288737.2, NM_001288738.2 and 2 more transcripts); short protein forms P263L.
Identifiers: ClinVar variation 1315543 (VCV001315543.2), dbSNP rs930963855, ClinGen allele CA200348114.

ClinVar aggregate classification (germline): Uncertain significance (1 of 4 stars; one submission).

Allele frequency attached by ClinVar (database versions not stated): TOPMed 0.00002; gnomAD 0.00001.

Submission:

GeneDx
Classification: Uncertain significance. Last evaluated: 2021-10-25. Review status: criteria provided, single submitter. Criteria: GeneDx Variant Classification Process June 2021. Collection method: clinical testing. Allele origin: germline. Affected: yes.
Comment: Not observed at significant frequency in large population cohorts (Lek et al., 2016); In silico analysis supports that this missense variant has a deleterious effect on protein structure/function; Identified in a patient with a neurodevelopmental disorder in published literature (Wang 2020); This variant is associated with the following publications: (PMID: 33004838)